The following is an entry in ClinVar:

NM_001164508.2(NEB):c.1981C>T (p.Leu661=)

Gene: NEB (nebulin; minus strand). Cytogenetic location: 2q23.3.
Variant type: single nucleotide variant.
Coding change: c.1981C>T on transcript NM_001164508.2 (MANE Select); coding-DNA position 1981, C replaced by T.
Protein change: p.Leu661=; no amino-acid change (leucine 661 retained).
Molecular consequence: synonymous variant.
Genome position (GRCh38, 1-based): chr2:151,692,278, G>A on the plus strand (C>T on the coding strand, the complement: NEB is on the minus strand). VCF-style: chr2-151692278-G-A. GRCh37 (hg19) VCF-style: chr2-152548792-G-A.
Other names: p.Leu661=; c.1981C>T, p.Leu661= (NM_001164507.2, NM_001271208.2, NM_004543.5).
Identifiers: ClinVar variation 331530 (VCV000331530.32), dbSNP rs146460133, ClinGen allele CA1911379.

ClinVar aggregate classification (germline): Benign/Likely benign. Review status: criteria provided, multiple submitters, no conflicts (2 of 4 stars). 7 submissions from 7 submitters: Benign (3); Likely benign (3). 1 of the submissions does not count toward it. Last evaluated 2026-02-02.

Conditions:
Nemaline myopathy 2 (NEM2). Also called: Nemaline myopathy 2, autosomal recessive. Identifiers: MedGen C1850569, MONDO:0009725, OMIM 256030.

Allele frequency attached by ClinVar (database versions not stated): gnomAD exomes 0.00034 and 0.00083; ExAC 0.00102; ESP Exome Variant Server 0.00321; 1000 Genomes Project 30x 0.00328; 1000 Genomes Project 0.00359; gnomAD 0.00360 and 0.00395; TOPMed 0.00394.

Submissions (7):

Labcorp Genetics (formerly Invitae), Labcorp
Classification: Benign for Nemaline myopathy 2. Last evaluated: 2026-02-02. Review status: criteria provided, single submitter. Criteria: Invitae Variant Classification Sherloc (09022015). Collection method: clinical testing. Allele origin: germline.

Mayo Clinic Laboratories, Mayo Clinic
Classification: Likely benign. Last evaluated: 2025-12-14. Review status: criteria provided, single submitter. Criteria: ACMG Guidelines, 2015. Collection method: clinical testing. Allele origin: germline. Observed: 2 variant alleles.
Comment: BS1, BP4, BP7

Blueprint Genetics
Classification: Likely benign. Last evaluated: 2024-08-28. Review status: criteria provided, single submitter. Criteria: ACMG Guidelines, 2015. Collection method: clinical testing. Allele origin: germline.

Athena Diagnostics
Classification: Benign. Last evaluated: 2024-02-01. Review status: criteria provided, single submitter. Criteria: Athena Diagnostics Criteria. Collection method: clinical testing. Allele origin: unknown.

GeneDx
Classification: Benign. Last evaluated: 2019-06-12. Review status: criteria provided, single submitter. Criteria: GeneDx Variant Classification Process June 2021. Collection method: clinical testing. Allele origin: germline. Affected: yes.

Illumina Laboratory Services, Illumina
Classification: Likely benign for Nemaline myopathy 2. Last evaluated: 2018-01-12. Review status: criteria provided, single submitter. Criteria: ICSL Variant Classification Criteria 13 December 2019. Collection method: clinical testing. Allele origin: germline.
Comment: This variant was observed in the ICSL laboratory as part of a predisposition screen in an ostensibly healthy population. It had not been previously curated by ICSL or reported in the Human Gene Mutation Database (HGMD: prior to June 1st, 2018), and was therefore a candidate for classification through an automated scoring system. Utilizing variant allele frequency, disease prevalence and penetrance estimates, and inheritance mode, an automated score was calculated to assess if this variant is too frequent to cause the disease. Based on the score and internal cut-off values, a variant classified as likely benign is not then subjected to further curation. The score for this variant resulted in a classification of likely benign for this disease.

Natera, Inc.
Classification: Benign for Nemaline myopathy type 2. Last evaluated: 2019-10-21. Review status: no assertion criteria provided. Collection method: clinical testing. Allele origin: germline. Not counted in ClinVar's aggregate classification.